The following is an entry in ClinVar:

NM_018127.7(ELAC2):c.840C>T (p.Asp280=)

Gene: ELAC2 (elaC ribonuclease Z 2; minus strand). Cytogenetic location: 17p12.
Variant type: single nucleotide variant.
Coding change: c.840C>T on transcript NM_018127.7 (MANE Select); coding-DNA position 840, C replaced by T.
Protein change: p.Asp280=; no amino-acid change (aspartic acid 280 retained).
Molecular consequence: synonymous variant.
Genome position (GRCh38, 1-based): chr17:13,005,783, G>A on the plus strand (C>T on the coding strand, the complement: ELAC2 is on the minus strand). VCF-style: chr17-13005783-G-A. GRCh37 (hg19) VCF-style: chr17-12909100-G-A.
Other names: c.720C>T, p.Asp240= (NM_001165962.2); c.840C>T, p.Asp280= (NM_173717.2).
Identifiers: ClinVar variation 695864 (VCV000695864.23), dbSNP rs369092504, ClinGen allele CA8401468.
Genomic context (GRCh38, chr17:13,005,783, plus strand): 5'-CTGCTGAATCAAGAAAACCAGGCATCTCACCTCTCTTCCTTCATGAGTGATGCTTTTCCC[G>A]TCCTTGACAGCAGCAATGATGGGAGCGATGGCAGCTGTCCCACTGAAATGAAGAGGCAAG-3'
Protein context (NP_060597.4, residues 270-290): AIAPIIAAVK[Asp280=]GKSITHEGRE

ClinVar aggregate classification (germline): Likely benign. Review status: criteria provided, multiple submitters, no conflicts (2 of 4 stars). 2 submissions from 2 submitters: Likely benign (2). Last evaluated 2026-01-14.

Conditions:
Combined oxidative phosphorylation defect type 17. Also called: Combined oxidative phosphorylation deficiency 17. Identifiers: Orphanet 369913, MedGen C3809526, MONDO:0014190, OMIM 615440.

Allele frequency attached by ClinVar (database versions not stated): gnomAD 0.00006; ESP Exome Variant Server 0.00008; TOPMed 0.00008; ExAC 0.00009.

Submissions (2):

Labcorp Genetics (formerly Invitae), Labcorp
Classification: Likely benign for Combined oxidative phosphorylation defect type 17. Last evaluated: 2026-01-14. Review status: criteria provided, single submitter. Criteria: Invitae Variant Classification Sherloc (09022015). Collection method: clinical testing. Allele origin: germline.

CeGaT Center for Human Genetics Tuebingen
Classification: Likely benign. Last evaluated: 2024-10-01. Review status: criteria provided, single submitter. Criteria: CeGaT Center For Human Genetics Tuebingen Variant Classification Criteria Version 2. Collection method: clinical testing. Allele origin: germline. Affected: yes. Observed: 1 variant allele.
Comment: ELAC2: BP4, BP7